The following is an entry in ClinVar:

ClinVar aggregate classification (germline): Pathogenic (1 of 4 stars; one submission).

Conditions:
Congenital diarrhea 6. Identifiers: Orphanet 314373, MedGen C3553270, MONDO:0013825, OMIM 614616.

Submission:

Centre for Mendelian Genomics, University Medical Centre Ljubljana
Classification: Pathogenic for Congenital diarrhea 6. Last evaluated: 2019-07-11. Review status: criteria provided, single submitter. Criteria: ACMG Guidelines, 2015. Collection method: clinical testing. Allele origin: unknown. Affected: yes.
Comment: This variant was classified as: Pathogenic. The following ACMG criteria were applied in classifying this variant: PS1,PS3,PM2,PM6,PP3.

NM_004963.4(GUCY2C):c.2324T>C (p.Leu775Pro)

Gene: GUCY2C (guanylate cyclase 2C; minus strand). Cytogenetic location: 12p12.3.
Variant type: single nucleotide variant.
Coding change: c.2324T>C on transcript NM_004963.4 (MANE Select); coding-DNA position 2324, T replaced by C.
Protein change: p.Leu775Pro; replaces leucine 775 with proline.
Molecular consequence: missense variant.
Genome position (GRCh38, 1-based): chr12:14,625,841, A>G on the plus strand (T>C on the coding strand, the complement: GUCY2C is on the minus strand). VCF-style: chr12-14625841-A-G. GRCh37 (hg19) VCF-style: chr12-14778775-A-G.
Other names: short protein forms L775P.
Identifiers: ClinVar variation 931137 (VCV000931137.3), dbSNP rs1947002584, ClinGen allele CA383997437.